The following is an entry in ClinVar:

NM_023110.3(FGFR1):c.-636C>T

Gene: FGFR1 (fibroblast growth factor receptor 1; minus strand). Cytogenetic location: 8p11.23.
Variant type: single nucleotide variant.
Coding change: c.-636C>T on transcript NM_023110.3 (MANE Select); 636 bases upstream of the start codon, C replaced by T.
Molecular consequence: 5 prime UTR variant.
Genome position (GRCh38, 1-based): chr8:38,468,528, G>A on the plus strand (C>T on the coding strand, the complement: FGFR1 is on the minus strand). VCF-style: chr8-38468528-G-A. GRCh37 (hg19) VCF-style: chr8-38326046-G-A.
Other names: c.-636C>T (NM_001174063.2, NM_001354367.2, NM_001354368.2 and 4 more transcripts); c.-728C>T (NM_001174064.2).
Identifiers: ClinVar variation 362918 (VCV000362918.6), dbSNP rs3213849, ClinGen allele CA10625397.
Genomic context (GRCh38, chr8:38,468,528, plus strand): 5'-AATGCGCTACGAGGGGTCTCGGTCCCGTCCGGACGTGGCCGCCCAGCTCCCGGCACACCC[G>A]GGTTCCTCCGCGCGCTGCGGCTGCACCGGCGTCCCGGCTCCCGCTAGCTGCCGCCCGCCG-3'

ClinVar aggregate classification (germline): Benign. Review status: criteria provided, multiple submitters, no conflicts (2 of 4 stars). 5 submissions from 2 submitters: Benign (5). Last evaluated 2018-01-12.

Conditions:
Trigonocephaly 1 (TRIGNO1). Identifiers: Orphanet 3366, MedGen C0432122, MONDO:0008603, OMIM 190440.
Craniosynostosis syndrome. Also called: Craniosynostosis. Identifiers: Orphanet 1531, MedGen C0010278, MeSH D003398, MONDO:0015469, HP:0001363.
Osteoglophonic dysplasia (OGD). Also called: Osteoglophonic dwarfism. Identifiers: Orphanet 2645, MedGen C0432283, MONDO:0008150, OMIM 166250.
Hypogonadotropic hypogonadism 2 with or without anosmia (HH2). Also called: HYPOGONADOTROPIC HYPOGONADISM 2 WITH OR WITHOUT ANOSMIA, SUSCEPTIBILITY TO; HYPOGONADOTROPIC HYPOGONADISM 2 WITHOUT ANOSMIA, SUSCEPTIBILITY TO; FGFR1-Related GnRH Deficiency (Kallmann Syndrome 2); HYPOGONADOTROPIC HYPOGONADISM 2 WITHOUT ANOSMIA. Identifiers: Orphanet 478, MedGen C1563720, MONDO:0007844, OMIM 147950. Disease mechanism: loss of function.

Allele frequency attached by ClinVar (database versions not stated): TOPMed 0.32320; 1000 Genomes Project 30x 0.33307; 1000 Genomes Project 0.34065; gnomAD 0.34931.
gnomAD v4.1: 80,250 of 228,486 alleles (35%); highest among the groups gnomAD compares: South Asian, 52%; 14,762 homozygotes.

Submissions (5):

Illumina Laboratory Services, Illumina
Classification: Benign for Craniosynostosis. Last evaluated: 2018-01-12. Review status: criteria provided, single submitter. Criteria: ICSL Variant Classification Criteria 13 December 2019. Collection method: clinical testing. Allele origin: germline.
Comment: This variant was observed in the ICSL laboratory as part of a predisposition screen in an ostensibly healthy population. It had not been previously curated by ICSL or reported in the Human Gene Mutation Database (HGMD: prior to June 1st, 2018), and was therefore a candidate for classification through an automated scoring system. Utilizing variant allele frequency, disease prevalence and penetrance estimates, and inheritance mode, an automated score was calculated to assess if this variant is too frequent to cause the disease. Based on the score and internal cut-off values, a variant classified as benign is not then subjected to further curation. The score for this variant resulted in a classification of benign for this disease.

Illumina Laboratory Services, Illumina
Classification: Benign for Osteoglophonic dysplasia. Last evaluated: 2018-01-12. Review status: criteria provided, single submitter. Criteria: ICSL Variant Classification Criteria 13 December 2019. Collection method: clinical testing. Allele origin: germline.
Comment: the same text as in the submission from Illumina Laboratory Services, Illumina above.

Illumina Laboratory Services, Illumina
Classification: Benign for Hypogonadotropic hypogonadism 2 with or without anosmia. Last evaluated: 2018-01-12. Review status: criteria provided, single submitter. Criteria: ICSL Variant Classification Criteria 13 December 2019. Collection method: clinical testing. Allele origin: germline.
Comment: the same text as in the submission from Illumina Laboratory Services, Illumina above.

Illumina Laboratory Services, Illumina
Classification: Benign for Trigonocephaly 1. Last evaluated: 2018-01-12. Review status: criteria provided, single submitter. Criteria: ICSL Variant Classification Criteria 13 December 2019. Collection method: clinical testing. Allele origin: germline.
Comment: the same text as in the submission from Illumina Laboratory Services, Illumina above.

Breakthrough Genomics
Classification: Benign. Review status: criteria provided, single submitter. Criteria: ACMG Guidelines, 2015. Collection method: not provided. Allele origin: germline. Inheritance: Autosomal dominant inheritance. Affected: yes.